The following is an entry in ClinVar:

ClinVar aggregate classification (germline): Uncertain significance (1 of 4 stars; one submission).

Conditions:
Breast-ovarian cancer, familial, susceptibility to, 4. Identifiers: Orphanet 145, MedGen C3280345, MONDO:0013669, OMIM 614291.

Submission:

Labcorp Genetics (formerly Invitae), Labcorp
Classification: Uncertain significance for Breast-ovarian cancer, familial, susceptibility to, 4. Last evaluated: 2024-10-03. Review status: criteria provided, single submitter. Criteria: Invitae Variant Classification Sherloc (09022015). Collection method: clinical testing. Allele origin: germline.
Comment: This sequence change replaces phenylalanine, which is neutral and non-polar, with isoleucine, which is neutral and non-polar, at codon 64 of the RAD51D protein (p.Phe64Ile). This variant is present in population databases (rs371182137, gnomAD 0.0009%). This variant has not been reported in the literature in individuals affected with RAD51D-related conditions. Invitae Evidence Modeling of protein sequence and biophysical properties (such as structural, functional, and spatial information, amino acid conservation, physicochemical variation, residue mobility, and thermodynamic stability) has been performed for this missense variant. However, the output from this modeling did not meet the statistical confidence thresholds required to predict the impact of this variant on RAD51D protein function. In summary, the available evidence is currently insufficient to determine the role of this variant in disease. Therefore, it has been classified as a Variant of Uncertain Significance.

NM_002878.4(RAD51D):c.190T>A (p.Phe64Ile)

Genes: RAD51L3-RFFL (RAD51L3-RFFL readthrough; minus strand), RAD51D (RAD51 paralog D; minus strand). Cytogenetic location: 17q12.
Variant type: single nucleotide variant.
Coding change: c.190T>A on transcript NM_002878.4 (MANE Select); coding-DNA position 190, T replaced by A.
Protein change: p.Phe64Ile; replaces phenylalanine 64 with isoleucine.
Molecular consequence: missense variant. On other transcripts: intron variant (2).
Genome position (GRCh38, 1-based): chr17:35,118,574, A>T on the plus strand (T>A on the coding strand, the complement: RAD51D is on the minus strand). VCF-style: chr17-35118574-A-T. GRCh37 (hg19) VCF-style: chr17-33445593-A-T.
Other names: c.144+537T>A (NM_133629.3, NM_001142571.2); short protein forms F64I.
Identifiers: ClinVar variation 3726068 (VCV003726068.2).